The following is an entry in ClinVar:

NM_001277115.2(DNAH11):c.7720T>G (p.Phe2574Val)

Gene: DNAH11 (dynein axonemal heavy chain 11; plus strand). Cytogenetic location: 7p15.3.
Variant type: single nucleotide variant.
Coding change: c.7720T>G on transcript NM_001277115.2 (MANE Select); coding-DNA position 7720, T replaced by G.
Protein change: p.Phe2574Val; replaces phenylalanine 2574 with valine.
Molecular consequence: missense variant.
Genome position (GRCh38, 1-based): chr7:21,738,775, T>G. VCF-style: chr7-21738775-T-G. GRCh37 (hg19) VCF-style: chr7-21778393-T-G.
Other names: short protein forms F2574V.
Identifiers: ClinVar variation 650530 (VCV000650530.6), dbSNP rs1583645903, ClinGen allele CA366950295.

ClinVar aggregate classification (germline): Uncertain significance (1 of 4 stars; one submission).

Conditions:
Primary ciliary dyskinesia. Also called: Ciliary dyskinesia. Identifiers: Orphanet 244, MedGen C0008780, MONDO:0016575, HP:0012265.

Submission:

Labcorp Genetics (formerly Invitae), Labcorp
Classification: Uncertain significance for Primary ciliary dyskinesia. Last evaluated: 2021-08-27. Review status: criteria provided, single submitter. Criteria: Invitae Variant Classification Sherloc (09022015). Collection method: clinical testing. Allele origin: germline.
Comment: This sequence change replaces phenylalanine with valine at codon 2574 of the DNAH11 protein (p.Phe2574Val). The phenylalanine residue is highly conserved and there is a small physicochemical difference between phenylalanine and valine. This variant is not present in population databases (ExAC no frequency). This variant has not been reported in the literature in individuals affected with DNAH11-related conditions. Algorithms developed to predict the effect of missense changes on protein structure and function (SIFT, PolyPhen-2, Align-GVGD) all suggest that this variant is likely to be disruptive. In summary, the available evidence is currently insufficient to determine the role of this variant in disease. Therefore, it has been classified as a Variant of Uncertain Significance.